The following is an entry in ClinVar:

ClinVar aggregate classification (germline): Benign (1 of 4 stars; one submission).

Conditions:
Fibrous dysplasia of jaw (CRBM). Also called: Cherubism. Identifiers: Orphanet 184, MedGen C0008029, MONDO:0007315, OMIM 118400.

Allele frequency attached by ClinVar (database versions not stated): gnomAD 0.03048 and 0.03270; 1000 Genomes Project 0.03395; TOPMed 0.03470; 1000 Genomes Project 30x 0.03607.

Submission:

Illumina Laboratory Services, Illumina
Classification: Benign for Fibrous dysplasia of jaw. Last evaluated: 2018-01-12. Review status: criteria provided, single submitter. Criteria: ICSL Variant Classification Criteria 13 December 2019. Collection method: clinical testing. Allele origin: germline.
Comment: This variant was observed in the ICSL laboratory as part of a predisposition screen in an ostensibly healthy population. It had not been previously curated by ICSL or reported in the Human Gene Mutation Database (HGMD: prior to June 1st, 2018), and was therefore a candidate for classification through an automated scoring system. Utilizing variant allele frequency, disease prevalence and penetrance estimates, and inheritance mode, an automated score was calculated to assess if this variant is too frequent to cause the disease. Based on the score and internal cut-off values, a variant classified as benign is not then subjected to further curation. The score for this variant resulted in a classification of benign for this disease.

NM_001122681.2(SH3BP2):c.*1935C>T

Gene: SH3BP2 (SH3 domain binding protein 2; plus strand). Cytogenetic location: 4p16.3.
Variant type: single nucleotide variant.
Coding change: c.*1935C>T on transcript NM_001122681.2 (MANE Select); 1935 bases downstream of the stop codon, C replaced by T.
Molecular consequence: 3 prime UTR variant.
Genome position (GRCh38, 1-based): chr4:2,835,769, C>T. VCF-style: chr4-2835769-C-T. GRCh37 (hg19) VCF-style: chr4-2837496-C-T.
Other names: c.*1935C>T (LRG_1334t1, LRG_1334t2, NM_001145855.2 and 2 more transcripts).
Identifiers: ClinVar variation 348625 (VCV000348625.5), dbSNP rs143834837, ClinGen allele CA10620906.
Genomic context (GRCh38, chr4:2,835,769, plus strand): 5'-CCGCCTCTCTAGTTCAAGCGATTTTCCTGCCTCAGCCTCCCGAGTAGCTGGGATTCCAGG[C>T]GCCCGCCACCACGCCTGGCTAATTTTTTGTATTTTTAGTAGAGACGGGATTTTATCATGT-3'